The following is an entry in ClinVar:

NM_000424.4(KRT5):c.1474+2dup

Gene: KRT5 (keratin 5; minus strand). Cytogenetic location: 12q13.13.
Variant type: Duplication.
Coding change: c.1474+2dup on transcript NM_000424.4 (MANE Select); the canonical splice donor site of the intron after coding-DNA position 1474, one base duplicated (T; older notation c.1474+2dupT).
Molecular consequence: splice donor variant.
Genome position (GRCh38, 1-based): chr12:52,515,796, A duplicated on the plus strand (T on the coding strand, the reverse complement: KRT5 is on the minus strand). VCF-style (leftmost placement, unchanged base first): chr12-52515795-T-TA. GRCh37 (hg19) VCF-style: chr12-52909579-T-TA.
Identifiers: ClinVar variation 2085594 (VCV002085594.4), dbSNP rs2498515325, ClinGen allele CA2580086460.

ClinVar aggregate classification (germline): Uncertain significance (1 of 4 stars; one submission).

Submission:

Labcorp Genetics (formerly Invitae), Labcorp
Classification: Uncertain significance. Last evaluated: 2022-02-22. Review status: criteria provided, single submitter. Criteria: Invitae Variant Classification Sherloc (09022015). Collection method: clinical testing. Allele origin: germline.
Comment: In summary, the available evidence is currently insufficient to determine the role of this variant in disease. Therefore, it has been classified as a Variant of Uncertain Significance. Variants that disrupt the consensus splice site are a relatively common cause of aberrant splicing (PMID: 17576681, 9536098). Algorithms developed to predict the effect of sequence changes on RNA splicing suggest that this variant may disrupt the consensus splice site. This variant has not been reported in the literature in individuals affected with KRT5-related conditions. This variant is not present in population databases (gnomAD no frequency). This sequence change falls in intron 8 of the KRT5 gene. It does not directly change the encoded amino acid sequence of the KRT5 protein. It affects a nucleotide within the consensus splice site.

Literature cited by the submitters: PubMed 17576681; PubMed 9536098.